The following is an entry in ClinVar:

ClinVar aggregate classification (germline): Uncertain significance (1 of 4 stars; one submission).

Conditions:
Immunodeficiency, common variable, 7. Identifiers: Orphanet 1572, Orphanet 696894, MedGen C3542922, MONDO:0013862, OMIM 614699.

gnomAD v4.1: 14 of 1,613,964 alleles (0.00087%); highest among the groups gnomAD compares: Non-Finnish European, 0.0011%; no homozygotes.

Submission:

Labcorp Genetics (formerly Invitae), Labcorp
Classification: Uncertain significance for Immunodeficiency, common variable, 7. Last evaluated: 2022-10-17. Review status: criteria provided, single submitter. Criteria: Invitae Variant Classification Sherloc (09022015). Collection method: clinical testing. Allele origin: germline.
Comment: In summary, the available evidence is currently insufficient to determine the role of this variant in disease. Therefore, it has been classified as a Variant of Uncertain Significance. Algorithms developed to predict the effect of missense changes on protein structure and function are either unavailable or do not agree on the potential impact of this missense change (SIFT: "Tolerated"; PolyPhen-2: "Probably Damaging"; Align-GVGD: "Class C15"). This variant has not been reported in the literature in individuals affected with CR2-related conditions. This variant is not present in population databases (gnomAD no frequency). This sequence change replaces glycine, which is neutral and non-polar, with cysteine, which is neutral and slightly polar, at codon 898 of the CR2 protein (p.Gly898Cys).

NM_001006658.3(CR2):c.2692G>T (p.Gly898Cys)

Gene: CR2 (complement C3d receptor 2; plus strand). Cytogenetic location: 1q32.2.
Variant type: single nucleotide variant.
Coding change: c.2692G>T on transcript NM_001006658.3 (MANE Select); coding-DNA position 2692, G replaced by T.
Protein change: p.Gly898Cys; replaces glycine 898 with cysteine.
Molecular consequence: missense variant.
Genome position (GRCh38, 1-based): chr1:207,475,192, G>T. VCF-style: chr1-207475192-G-T. GRCh37 (hg19) VCF-style: chr1-207648537-G-T.
Other names: c.2515G>T, p.Gly839Cys (NM_001877.5); short protein forms G898C, G839C.
Identifiers: ClinVar variation 2041450 (VCV002041450.4), dbSNP rs1363171444, ClinGen allele CA344539482.